The following is an entry in ClinVar:

ClinVar aggregate classification (germline): Benign/Likely benign. Review status: criteria provided, multiple submitters, no conflicts (2 of 4 stars). 3 submissions from 3 submitters: Benign (1); Likely benign (2). Last evaluated 2025-12-01.

Conditions:
Hyperaldosteronism, familial, type IV (HALD4). Also called: FH IV; ALDOSTERONISM, PRIMARY, AND HYPERTENSION. Identifiers: Orphanet 642671, MedGen C4310756, MONDO:0014875, OMIM 617027.
Epilepsy, childhood absence, susceptibility to, 6. Identifiers: Orphanet 64280, MedGen C2749872, MONDO:0012763, OMIM 611942.
Idiopathic generalized epilepsy. Also called: Generalised epilepsy; EIG. Identifiers: MedGen C0270850, MONDO:0005579, OMIM 600669.

Allele frequency attached by ClinVar (database versions not stated): 1000 Genomes Project 0.00020; 1000 Genomes Project 30x 0.00094.
gnomAD v4.1: 136 of 1,573,106 alleles (0.0086%); highest among the groups gnomAD compares: East Asian, 0.19%; no homozygotes.

Submissions (3):

Labcorp Genetics (formerly Invitae), Labcorp
Classification: Benign for Idiopathic generalized epilepsy; Hyperaldosteronism, familial, type IV. Last evaluated: 2025-12-01. Review status: criteria provided, single submitter. Criteria: Invitae Variant Classification Sherloc (09022015). Collection method: clinical testing. Allele origin: germline.

CeGaT Center for Human Genetics Tuebingen
Classification: Likely benign. Last evaluated: 2024-07-01. Review status: criteria provided, single submitter. Criteria: CeGaT Center For Human Genetics Tuebingen Variant Classification Criteria Version 2. Collection method: clinical testing. Allele origin: germline. Affected: yes. Observed: 1 variant allele.
Comment: CACNA1H: BP4, BP7

Fulgent Genetics
Classification: Likely benign for Epilepsy, childhood absence, susceptibility to, 6; Hyperaldosteronism, familial, type IV. Last evaluated: 2021-10-01. Review status: criteria provided, single submitter. Criteria: ACMG Guidelines, 2015. Collection method: clinical testing. Allele origin: unknown.

NM_021098.3(CACNA1H):c.4803C>G (p.Ala1601=)

Gene: CACNA1H (calcium voltage-gated channel subunit alpha1 H; plus strand). Cytogenetic location: 16p13.3.
Variant type: single nucleotide variant.
Coding change: c.4803C>G on transcript NM_021098.3 (MANE Select); coding-DNA position 4803, C replaced by G.
Protein change: p.Ala1601=; no amino-acid change (alanine 1601 retained).
Molecular consequence: synonymous variant.
Genome position (GRCh38, 1-based): chr16:1,213,805, C>G. VCF-style: chr16-1213805-C-G. GRCh37 (hg19) VCF-style: chr16-1263805-C-G.
Other names: c.4785C>G, p.Ala1595= (NM_001005407.2).
Identifiers: ClinVar variation 1616349 (VCV001616349.26), dbSNP rs559982155, ClinGen allele CA7801625.
Genomic context (GRCh38, chr16:1,213,805, plus strand): 5'-CTCCTGCCCGGCGCTCATGGCCGCCCTCCCCGCAGAGGCCCAGCGCCGGCCCTACTATGC[C>G]GACTACTCGCCCACGCGCCGCTCCATTCACTCGCTGTGCACCAGCCACTATCTCGACCTC-3'
Protein context (NP_066921.2, residues 1591-1611): SPEAQRRPYY[Ala1601=]DYSPTRRSIH